The following is an entry in ClinVar:

ClinVar aggregate classification (germline): Uncertain significance. Review status: criteria provided, multiple submitters, no conflicts (2 of 4 stars). 2 submissions from 2 submitters: Uncertain significance (2). Last evaluated 2026-07-16.

Conditions:
Baraitser-Winter syndrome 1 (BRWS1). Also called: BARAITSER-WINTER SYNDROME 1, ATYPICAL; PACHYGYRIA, MENTAL RETARDATION, EPILEPSY, AND CHARACTERISTIC FACIES; MENTAL RETARDATION WITH EPILEPSY AND CHARACTERISTIC FACIES; Cerebrofrontofacial syndrome. Identifiers: Orphanet 2649, Orphanet 2995, MedGen C1855722, MONDO:0009470, OMIM 243310.
Inborn genetic diseases. Identifiers: MedGen C0950123, MeSH D030342.

Submissions (2):

Institute of Medical Genetics and Applied Genomics, University Hospital Tübingen
Classification: Uncertain significance for Baraitser-Winter syndrome 1. Last evaluated: 2026-07-16. Review status: criteria provided, single submitter. Criteria: ACMG Guidelines, 2015. Collection method: clinical testing. Allele origin: de novo. Inheritance: Autosomal dominant inheritance. Affected: yes.

Ambry Genetics
Classification: Uncertain significance for Inborn genetic diseases. Last evaluated: 2025-03-19. Review status: criteria provided, single submitter. Criteria: Ambry Variant Classification Scheme 2023. Collection method: clinical testing. Allele origin: germline.
Comment: The c.1065G>A (p.M355I) alteration is located in exon 6 (coding exon 5) of the ACTB gene. This alteration results from a G to A substitution at nucleotide position 1065, causing the methionine (M) at amino acid position 355 to be replaced by an isoleucine (I). This variant was not reported in population-based cohorts in the Genome Aggregation Database (gnomAD). This amino acid position is highly conserved in available vertebrate species. This missense alteration is located in a region that has a low rate of benign missense variation (Lek, 2016; Firth, 2009). This alteration is predicted to be deleterious by in silico analysis. Based on insufficient or conflicting evidence, the clinical significance of this alteration remains unclear.

NM_001101.5(ACTB):c.1065G>A (p.Met355Ile)

Gene: ACTB (actin beta; minus strand). Cytogenetic location: 7p22.1.
Variant type: single nucleotide variant.
Coding change: c.1065G>A on transcript NM_001101.5 (MANE Select); coding-DNA position 1065, G replaced by A.
Protein change: p.Met355Ile; replaces methionine 355 with isoleucine.
Molecular consequence: missense variant.
Genome position (GRCh38, 1-based): chr7:5,527,811, C>T on the plus strand (G>A on the coding strand, the complement: ACTB is on the minus strand). VCF-style: chr7-5527811-C-T. GRCh37 (hg19) VCF-style: chr7-5567442-C-T.
Other names: short protein forms M355I.
Identifiers: ClinVar variation 4001531 (VCV004001531.2).